The following is an entry in ClinVar:

ClinVar aggregate classification (germline): Likely pathogenic. Review status: criteria provided, multiple submitters, no conflicts (2 of 4 stars). 2 submissions from 2 submitters: Likely pathogenic (2). Last evaluated 2024-11-16.

Conditions:
MASS syndrome (OCTD). Also called: OVERLAP CONNECTIVE TISSUE DISEASE; MASS PHENOTYPE. Identifiers: MedGen C1858556, MONDO:0011431, OMIM 604308.
Familial thoracic aortic aneurysm and aortic dissection (TAAD). Also called: Thoracic aortic aneurysms and dissections. Identifiers: Orphanet 91387, MedGen C4707243, MONDO:0019625.
Ectopia lentis 1, isolated, autosomal dominant (ECTOL1). Identifiers: Orphanet 1885, MedGen C3541518, MONDO:0007514, OMIM 129600.
Stiff skin syndrome (SSKS). Identifiers: Orphanet 2833, MedGen C1861456, MONDO:0008492, OMIM 184900.
Marfan syndrome (MFS). Also called: Marfan syndrome type 1; Marfan syndrome, classic; Marfan's syndrome; FBN1-Related Marfan Syndrome; MARFAN SYNDROME, TYPE I. Identifiers: Orphanet 284963, Orphanet 558, MedGen C0024796, MONDO:0007947, OMIM 154700.

Submissions (2):

Ambry Genetics
Classification: Likely pathogenic for Familial thoracic aortic aneurysm and aortic dissection. Last evaluated: 2024-11-16. Review status: criteria provided, single submitter. Criteria: Ambry Variant Classification Scheme 2023. Collection method: clinical testing. Allele origin: germline.
Comment: The p.C2672G variant (also known as c.8014T>G), located in coding exon 63 of the FBN1 gene, results from a T to G substitution at nucleotide position 8014. The cysteine at codon 2672 is replaced by glycine, an amino acid with highly dissimilar properties. This variant has been observed in at least one individual with a personal and/or family history that is consistent with Marfan syndrome (Ambry internal data). The majority of FBN1 mutations identified to date have involved the substitution or generation of cysteine residues within cbEGF domains (Vollbrandt T et al. J Biol Chem. 2004;279(31):32924-32931). Internal structural analysis indicates this alteration eliminates a disulfide bond critical for the structural integrity of the cbEGF42 domain (Ambry internal data). This amino acid position is highly conserved in available vertebrate species. In addition, this alteration is predicted to be deleterious by in silico analysis. This variant is considered to be rare based on population cohorts in the Genome Aggregation Database (gnomAD). Based on the majority of available evidence to date, this variant is likely to be pathogenic.

Labcorp Genetics (formerly Invitae), Labcorp
Classification: Likely pathogenic for Marfan syndrome; Familial thoracic aortic aneurysm and aortic dissection. Last evaluated: 2019-07-29. Review status: criteria provided, single submitter. Criteria: Invitae Variant Classification Sherloc (09022015). Collection method: clinical testing. Allele origin: germline.
Comment: In summary, the currently available evidence indicates that the variant is pathogenic, but additional data are needed to prove that conclusively. Therefore, this variant has been classified as Likely Pathogenic. This variant affects a cysteine residue located within an epidermal-growth-factor (EGF)–like domain of the FBN1 protein. Cysteine residues in these domains have been shown to be involved in the formation of disulfide bridges, which are critical for FBN1 protein structure and stability (PMID: 10486319, 3495735, 4750422, 16677079). In addition, missense substitutions within the FBN1 EGF-like domains affecting cysteine residues are significantly overrepresented among patients with Marfan syndrome (PMID: 16571647, 17701892). This variant has not been reported in the literature in individuals with FBN1-related disease. This variant is not present in population databases (ExAC no frequency). This sequence change replaces cysteine with glycine at codon 2672 of the FBN1 protein (p.Cys2672Gly). The cysteine residue is highly conserved and there is a large physicochemical difference between cysteine and glycine.

Literature cited by the submitters: PubMed 10486319 (cited by Labcorp Genetics (formerly Invitae), Labcorp); PubMed 3495735 (cited by Labcorp Genetics (formerly Invitae), Labcorp); PubMed 4750422 (cited by Labcorp Genetics (formerly Invitae), Labcorp); PubMed 16677079 (cited by Labcorp Genetics (formerly Invitae), Labcorp); PubMed 16571647 (cited by Labcorp Genetics (formerly Invitae), Labcorp); PubMed 17701892 (cited by Labcorp Genetics (formerly Invitae), Labcorp).

NM_000138.5(FBN1):c.8014T>G (p.Cys2672Gly)

Gene: FBN1 (fibrillin 1; minus strand). Cytogenetic location: 15q21.1.
Variant type: single nucleotide variant.
Coding change: c.8014T>G on transcript NM_000138.5 (MANE Select); coding-DNA position 8014, T replaced by G.
Protein change: p.Cys2672Gly; replaces cysteine 2672 with glycine.
Molecular consequence: missense variant.
Genome position (GRCh38, 1-based): chr15:48,415,573, A>C on the plus strand (T>G on the coding strand, the complement: FBN1 is on the minus strand). VCF-style: chr15-48415573-A-C. GRCh37 (hg19) VCF-style: chr15-48707770-A-C.
Other names: short protein forms C2672G.
Identifiers: ClinVar variation 519693 (VCV000519693.19), dbSNP rs1555393833, ClinGen allele CA392322650.